The following is an entry in ClinVar:

ClinVar aggregate classification (germline): Uncertain significance (1 of 4 stars; one submission).

Conditions:
Brugada syndrome 5 (BRGDA5). Identifiers: Orphanet 130, Orphanet 871, MedGen C2748541, MONDO:0013015, OMIM 612838.

Submission:

Labcorp Genetics (formerly Invitae), Labcorp
Classification: Uncertain significance for Brugada syndrome 5. Last evaluated: 2024-10-28. Review status: criteria provided, single submitter. Criteria: Invitae Variant Classification Sherloc (09022015). Collection method: clinical testing. Allele origin: germline.
Comment: This sequence change replaces arginine, which is basic and polar, with glycine, which is neutral and non-polar, at codon 187 of the SCN1B protein (p.Arg187Gly). This variant is not present in population databases (gnomAD no frequency). This variant has not been reported in the literature in individuals affected with SCN1B-related conditions. An algorithm developed to predict the effect of missense changes on protein structure and function (PolyPhen-2) suggests that this variant is likely to be disruptive. In summary, the available evidence is currently insufficient to determine the role of this variant in disease. Therefore, it has been classified as a Variant of Uncertain Significance.

NM_001037.5(SCN1B):c.448+111C>G

Gene: SCN1B (sodium voltage-gated channel beta subunit 1; plus strand). Cytogenetic location: 19q13.11.
Variant type: single nucleotide variant.
Coding change: c.448+111C>G on transcript NM_001037.5 (MANE Select); 111 bases into the intron after coding-DNA position 448, C replaced by G.
Molecular consequence: intron variant. On other transcripts: missense variant (1).
Genome position (GRCh38, 1-based): chr19:35,033,850, C>G. VCF-style: chr19-35033850-C-G. GRCh37 (hg19) VCF-style: chr19-35524754-C-G.
Other names: c.559C>G, p.Arg187Gly (NM_199037.5); c.349+111C>G (NM_001321605.2); short protein forms R187G.
Identifiers: ClinVar variation 2744543 (VCV002744543.3), dbSNP rs758654948, ClinGen allele CA405329308.